The following is an entry in ClinVar:

NM_018706.7(DHTKD1):c.2537T>C (p.Leu846Ser)

Gene: DHTKD1 (dehydrogenase E1 and transketolase domain containing 1; plus strand). Cytogenetic location: 10p14.
Variant type: single nucleotide variant.
Coding change: c.2537T>C on transcript NM_018706.7 (MANE Select); coding-DNA position 2537, T replaced by C.
Protein change: p.Leu846Ser; replaces leucine 846 with serine.
Molecular consequence: missense variant.
Genome position (GRCh38, 1-based): chr10:12,118,883, T>C. VCF-style: chr10-12118883-T-C. GRCh37 (hg19) VCF-style: chr10-12160882-T-C.
Other names: short protein forms L846S.
Identifiers: ClinVar variation 2640304 (VCV002640304.24), dbSNP rs2491523376, ClinGen allele CA376016522.

ClinVar aggregate classification (germline): Uncertain significance (1 of 4 stars; one submission).

Submission:

CeGaT Center for Human Genetics Tuebingen
Classification: Uncertain significance. Last evaluated: 2022-05-01. Review status: criteria provided, single submitter. Criteria: CeGaT Center For Human Genetics Tuebingen Variant Classification Criteria Version 2. Collection method: clinical testing. Allele origin: germline. Affected: yes. Observed: 1 variant allele.
Comment: DHTKD1: PM2